The following is an entry in ClinVar:

ClinVar aggregate classification (germline): Uncertain significance (1 of 4 stars; one submission).

gnomAD v4.1: 1 of 1,613,984 alleles (0.000062%); highest among the groups gnomAD compares: Non-Finnish European, 0.000085%; no homozygotes.

Submission:

GeneDx
Classification: Uncertain significance. Last evaluated: 2020-02-07. Review status: criteria provided, single submitter. Criteria: GeneDx Variant Classification Process June 2021. Collection method: clinical testing. Allele origin: germline. Affected: yes.
Comment: Not observed in large population cohorts (Lek et al., 2016); In silico analysis supports that this missense variant does not alter protein structure/function; Has not been previously published as pathogenic or benign to our knowledge

NM_133433.4(NIPBL):c.6922A>T (p.Thr2308Ser)

Gene: NIPBL (NIPBL cohesin loading factor; plus strand). Cytogenetic location: 5p13.2.
Variant type: single nucleotide variant.
Coding change: c.6922A>T on transcript NM_133433.4 (MANE Select); coding-DNA position 6922, A replaced by T.
Protein change: p.Thr2308Ser; replaces threonine 2308 with serine.
Molecular consequence: missense variant.
Genome position (GRCh38, 1-based): chr5:37,049,269, A>T. VCF-style: chr5-37049269-A-T. GRCh37 (hg19) VCF-style: chr5-37049371-A-T.
Other names: c.6922A>T, p.Thr2308Ser (NM_015384.5); short protein forms T2308S.
Identifiers: ClinVar variation 1311957 (VCV001311957.2), dbSNP rs2149737947, ClinGen allele CA359509049.